The following is an entry in ClinVar:

ClinVar aggregate classification (germline): Likely benign. Review status: criteria provided, multiple submitters, no conflicts (2 of 4 stars). 2 submissions from 2 submitters: Likely benign (2). Last evaluated 2025-04-29.

Conditions:
LTBP3-related disorder. Also called: LTBP3-related condition.
Brachyolmia-amelogenesis imperfecta syndrome. Also called: PLATYSPONDYLY WITH AMELOGENESIS IMPERFECTA; Tooth agenesis, selective, 6; Dental anomalies and short stature. Identifiers: Orphanet 2899, MedGen C1832594, MONDO:0011018, OMIM 601216. Disease mechanism: loss of function.

Allele frequency attached by ClinVar (database versions not stated): gnomAD exomes below 0.00001; ExAC 0.00001.
gnomAD v4.1: 1 of 1,613,670 alleles (0.000062%); highest among the groups gnomAD compares: Admixed American, 0.0017%; no homozygotes.

Submissions (2):

PreventionGenetics, part of Exact Sciences
Classification: Likely benign for LTBP3-related condition. Last evaluated: 2025-04-29. Review status: criteria provided, single submitter. Criteria: ACMG Guidelines, 2015. Collection method: clinical testing. Allele origin: germline.
Comment: This variant is classified as likely benign based on ACMG/AMP sequence variant interpretation guidelines (Richards et al. 2015 PMID: 25741868, with internal and published modifications).

Labcorp Genetics (formerly Invitae), Labcorp
Classification: Likely benign for Brachyolmia-amelogenesis imperfecta syndrome. Last evaluated: 2022-09-15. Review status: criteria provided, single submitter. Criteria: Invitae Variant Classification Sherloc (09022015). Collection method: clinical testing. Allele origin: germline.

NM_001130144.3(LTBP3):c.1209C>T (p.Ser403=)

Gene: LTBP3 (latent transforming growth factor beta binding protein 3; minus strand). Cytogenetic location: 11q13.1.
Variant type: single nucleotide variant.
Coding change: c.1209C>T on transcript NM_001130144.3 (MANE Select); coding-DNA position 1209, C replaced by T.
Protein change: p.Ser403=; no amino-acid change (serine 403 retained).
Molecular consequence: synonymous variant.
Genome position (GRCh38, 1-based): chr11:65,552,384, G>A on the plus strand (C>T on the coding strand, the complement: LTBP3 is on the minus strand). VCF-style: chr11-65552384-G-A. GRCh37 (hg19) VCF-style: chr11-65319855-G-A.
Other names: c.1209C>T (NM_001130144.2); c.858C>T, p.Ser286= (NM_001164266.1); c.1209C>T, p.Ser403= (NM_021070.4).
Identifiers: ClinVar variation 2028011 (VCV002028011.5), dbSNP rs765917202, ClinGen allele CA6101024.